The following is an entry in ClinVar:

ClinVar aggregate classification (germline): Likely benign. Review status: criteria provided, multiple submitters, no conflicts (2 of 4 stars). 3 submissions from 3 submitters: Likely benign (3). Last evaluated 2025-06-16.

Conditions:
Inborn genetic diseases. Identifiers: MedGen C0950123, MeSH D030342.

Allele frequency attached by ClinVar (database versions not stated): ExAC 0.00002; gnomAD exomes 0.00003; TOPMed 0.00003.
gnomAD v4.1: 48 of 1,611,080 alleles (0.003%); highest among the groups gnomAD compares: Non-Finnish European, 0.0038%; no homozygotes.

Submissions (3):

Ambry Genetics
Classification: Likely benign for Inborn genetic diseases. Last evaluated: 2025-06-16. Review status: criteria provided, single submitter. Criteria: Ambry Variant Classification Scheme 2023. Collection method: clinical testing. Allele origin: germline.

Laboratory of Genetics, Children's Clinical University Hospital Latvia
Classification: Likely benign. Last evaluated: 2025-02-16. Review status: criteria provided, single submitter. Criteria: ACMG Guidelines, 2015. Collection method: clinical testing. Allele origin: germline. Affected: yes.

CeGaT Center for Human Genetics Tuebingen
Classification: Likely benign. Last evaluated: 2023-11-01. Review status: criteria provided, single submitter. Criteria: CeGaT Center For Human Genetics Tuebingen Variant Classification Criteria Version 2. Collection method: clinical testing. Allele origin: germline. Affected: yes. Observed: 1 variant allele.
Comment: KMT2C: PP2, BP4, BS2

NM_170606.3(KMT2C):c.3291A>T (p.Glu1097Asp)

Gene: KMT2C (lysine methyltransferase 2C; minus strand). Cytogenetic location: 7q36.1.
Variant type: single nucleotide variant.
Coding change: c.3291A>T on transcript NM_170606.3 (MANE Select); coding-DNA position 3291, A replaced by T.
Protein change: p.Glu1097Asp; replaces glutamic acid 1097 with aspartic acid.
Molecular consequence: missense variant.
Genome position (GRCh38, 1-based): chr7:152,224,047, T>A on the plus strand (A>T on the coding strand, the complement: KMT2C is on the minus strand). VCF-style: chr7-152224047-T-A. GRCh37 (hg19) VCF-style: chr7-151921132-T-A.
Other names: c.3291A>T (NM_170606.2); short protein forms E1097D.
Identifiers: ClinVar variation 2673136 (VCV002673136.25), dbSNP rs772329116, ClinGen allele CA4580881.